The following is an entry in ClinVar:

NM_198578.4(LRRK2):c.5275C>G (p.Pro1759Ala)

Gene: LRRK2 (leucine rich repeat kinase 2; plus strand). Cytogenetic location: 12q12.
Variant type: single nucleotide variant.
Coding change: c.5275C>G on transcript NM_198578.4 (MANE Select); coding-DNA position 5275, C replaced by G.
Protein change: p.Pro1759Ala; replaces proline 1759 with alanine.
Molecular consequence: missense variant.
Genome position (GRCh38, 1-based): chr12:40,322,139, C>G. VCF-style: chr12-40322139-C-G. GRCh37 (hg19) VCF-style: chr12-40715941-C-G.
Other names: short protein forms P1759A.
Identifiers: ClinVar variation 1746528 (VCV001746528.2), dbSNP rs370805423, ClinGen allele CA384420384.

ClinVar aggregate classification (germline): Uncertain significance (1 of 4 stars; one submission).

Conditions:
Inborn genetic diseases. Identifiers: MedGen C0950123, MeSH D030342.

Submission:

Ambry Genetics
Classification: Uncertain significance for Inborn genetic diseases. Last evaluated: 2021-07-12. Review status: criteria provided, single submitter. Criteria: Ambry Variant Classification Scheme 2023. Collection method: clinical testing. Allele origin: germline.
Comment: The p.P1759A variant (also known as c.5275C>G), located in coding exon 36 of the LRRK2 gene, results from a C to G substitution at nucleotide position 5275. The proline at codon 1759 is replaced by alanine, an amino acid with highly similar properties. This amino acid position is conserved. In addition, this alteration is predicted to be tolerated by in silico analysis. Since supporting evidence is limited at this time, the clinical significance of this alteration remains unclear.